The following is an entry in ClinVar:

NM_025083.5(EDC3):c.633T>G (p.Ala211=)

Gene: EDC3 (enhancer of mRNA decapping 3; minus strand). Cytogenetic location: 15q24.1.
Variant type: single nucleotide variant.
Coding change: c.633T>G on transcript NM_025083.5 (MANE Select); coding-DNA position 633, T replaced by G.
Protein change: p.Ala211=; no amino-acid change (alanine 211 retained).
Molecular consequence: synonymous variant.
Genome position (GRCh38, 1-based): chr15:74,655,920, A>C on the plus strand (T>G on the coding strand, the complement: EDC3 is on the minus strand). VCF-style: chr15-74655920-A-C. GRCh37 (hg19) VCF-style: chr15-74948261-A-C.
Other names: c.633T>G, p.Ala211= (NM_001142443.3, NM_001142444.3, NM_001351378.2); c.198T>G, p.Ala66= (NM_001351379.2).
Identifiers: ClinVar variation 754638 (VCV000754638.6), dbSNP rs138195822, ClinGen allele CA7659057.
Genomic context (GRCh38, chr15:74,655,920, plus strand): 5'-GGTACCACTTCTCCTTTCATAGGTATCAATCTCCTCAAACACAGCTGCCTTGTCAAAAAG[A>C]GCCAGGTTCCCTTCAAAATCAAAATCTGTGTCTGGGATCTCCTCAATATCATCCCCGAAG-3'
Protein context (NP_079359.2, residues 201-221): DTDFDFEGNL[Ala211=]LFDKAAVFEE

ClinVar aggregate classification (germline): Likely benign. Review status: criteria provided, single submitter (1 of 4 stars). 2 submissions from 2 submitters: Likely benign (1). 1 of the submissions does not count toward it. Last evaluated 2019-12-31.

Conditions:
EDC3-related disorder. Also called: EDC3-related condition.

Allele frequency attached by ClinVar (database versions not stated): ESP Exome Variant Server 0.00023; TOPMed 0.00050; gnomAD 0.00013; 1000 Genomes Project 30x 0.00016.
gnomAD v4.1: 737 of 1,614,132 alleles (0.046%); highest among the groups gnomAD compares: Non-Finnish European, 0.011%; 7 homozygotes.

Submissions (2):

Labcorp Genetics (formerly Invitae), Labcorp
Classification: Likely benign. Last evaluated: 2019-12-31. Review status: criteria provided, single submitter. Criteria: Invitae Variant Classification Sherloc (09022015). Collection method: clinical testing. Allele origin: germline.

PreventionGenetics, part of Exact Sciences
Classification: Benign for EDC3-related condition. Last evaluated: 2019-11-16. Review status: no assertion criteria provided. Collection method: clinical testing. Allele origin: germline. Not counted in ClinVar's aggregate classification.
Comment: This variant is classified as benign based on ACMG/AMP sequence variant interpretation guidelines (Richards et al. 2015 PMID: 25741868, with internal and published modifications).